The following is an entry in ClinVar:

NM_017934.7(PHIP):c.1549G>A (p.Val517Ile)

Gene: PHIP (PHIP subunit of CUL4-Ring ligase complex; minus strand). Cytogenetic location: 6q14.1.
Variant type: single nucleotide variant.
Coding change: c.1549G>A on transcript NM_017934.7 (MANE Select); coding-DNA position 1549, G replaced by A.
Protein change: p.Val517Ile; replaces valine 517 with isoleucine.
Molecular consequence: missense variant.
Genome position (GRCh38, 1-based): chr6:79,003,834, C>T on the plus strand (G>A on the coding strand, the complement: PHIP is on the minus strand). VCF-style: chr6-79003834-C-T. GRCh37 (hg19) VCF-style: chr6-79713551-C-T.
Other names: c.1549G>A (NM_017934.6); short protein forms V517I.
Identifiers: ClinVar variation 4861785 (VCV004861785.2).
Genomic context (GRCh38, chr6:79,003,834, plus strand): 5'-GTCCATGAGAGTCTGTGCATGCAAAATGCTGACCATCAGGAGAGCATTTGCAGTCAAATA[C>T]TGCGCCATGTCCTTGGCCTTCAATCTGAAATATATTTAACCAACAGTAAGAAAACTACCA-3'
Protein context (NP_060404.4, residues 507-527): NMIEGQGHGA[Val517Ile]FDCKCSPDGQ

ClinVar aggregate classification (germline): Uncertain significance. Review status: criteria provided, multiple submitters, no conflicts (2 of 4 stars). 2 submissions from 2 submitters: Uncertain significance (2). Last evaluated 2026-07-14.

Conditions:
PHIP-related disorder. Also called: PHIP-related disorders; PHIP-related condition.
Inborn genetic diseases. Identifiers: MedGen C0950123, MeSH D030342.

Submissions (2):

PreventionGenetics, part of Exact Sciences
Classification: Uncertain significance for PHIP-related condition. Last evaluated: 2026-07-14. Review status: criteria provided, single submitter. Criteria: ACMG Guidelines, 2015. Collection method: clinical testing. Allele origin: germline.
Comment: The PHIP c.1549G>A variant is predicted to result in the amino acid substitution p.Val517Ile. To our knowledge, this variant has not been reported in the literature or in a large population database (gnomAD), indicating this variant is rare. At this time, the clinical significance of this variant is uncertain due to the absence of conclusive functional and genetic evidence.

Ambry Genetics
Classification: Uncertain significance for Inborn genetic diseases. Last evaluated: 2026-03-19. Review status: criteria provided, single submitter. Criteria: Ambry Variant Classification Scheme 2023. Collection method: clinical testing. Allele origin: germline.